The following is an entry in ClinVar:

NM_177438.3(DICER1):c.5464G>A (p.Asp1822Asn)

Gene: DICER1 (dicer 1, ribonuclease III; minus strand). Cytogenetic location: 14q32.13.
Variant type: single nucleotide variant.
Coding change: c.5464G>A on transcript NM_177438.3 (MANE Select); coding-DNA position 5464, G replaced by A.
Protein change: p.Asp1822Asn; replaces aspartic acid 1822 with asparagine.
Molecular consequence: missense variant. On other transcripts: intron variant (1).
Genome position (GRCh38, 1-based): chr14:95,091,266, C>T on the plus strand (G>A on the coding strand, the complement: DICER1 is on the minus strand). VCF-style: chr14-95091266-C-T. GRCh37 (hg19) VCF-style: chr14-95557603-C-T.
Other names: c.5464G>A, p.Asp1822Asn (NM_001271282.3, NM_001291628.2, NM_030621.4); c.5365-157G>A (NM_001195573.1); short protein forms D1822N.
Identifiers: ClinVar variation 843033 (VCV000843033.12), dbSNP rs1889800882, ClinGen allele CA390864597.

ClinVar aggregate classification (germline): Uncertain significance. Review status: criteria provided, multiple submitters, no conflicts (2 of 4 stars). 2 submissions from 2 submitters: Uncertain significance (2). Last evaluated 2024-12-19.

Conditions:
DICER1-related tumor predisposition. Also called: DICER1 syndrome; DICER1-related pleuropulmonary blastoma cancer predisposition syndrome. Identifiers: Orphanet 284343, MedGen C3839822, MONDO:0100216.
Hereditary cancer-predisposing syndrome. Also called: Neoplastic Syndromes, Hereditary; Hereditary neoplastic syndrome; Tumor predisposition; Hereditary Cancer Syndrome. Identifiers: Orphanet 140162, MedGen C0027672, MeSH D009386, MONDO:0015356.

Submissions (2):

Ambry Genetics
Classification: Uncertain significance for Hereditary cancer-predisposing syndrome. Last evaluated: 2024-12-19. Review status: criteria provided, single submitter. Criteria: Ambry Variant Classification Scheme 2023. Collection method: clinical testing. Allele origin: germline.
Comment: The p.D1822N variant (also known as c.5464G>A), located in coding exon 24 of the DICER1 gene, results from a G to A substitution at nucleotide position 5464. The aspartic acid at codon 1822 is replaced by asparagine, an amino acid with highly similar properties. This amino acid position is highly conserved in available vertebrate species. In addition, the in silico prediction for this alteration is inconclusive. Based on the available evidence, the clinical significance of this variant remains unclear.

Labcorp Genetics (formerly Invitae), Labcorp
Classification: Uncertain significance for DICER1-related tumor predisposition. Last evaluated: 2022-11-03. Review status: criteria provided, single submitter. Criteria: Invitae Variant Classification Sherloc (09022015). Collection method: clinical testing. Allele origin: germline.
Comment: ClinVar contains an entry for this variant (Variation ID: 843033). In summary, the available evidence is currently insufficient to determine the role of this variant in disease. Therefore, it has been classified as a Variant of Uncertain Significance. Algorithms developed to predict the effect of missense changes on protein structure and function are either unavailable or do not agree on the potential impact of this missense change (SIFT: "Deleterious"; PolyPhen-2: "Probably Damaging"; Align-GVGD: "Class C15"). This variant has not been reported in the literature in individuals affected with DICER1-related conditions. This variant is not present in population databases (gnomAD no frequency). This sequence change replaces aspartic acid, which is acidic and polar, with asparagine, which is neutral and polar, at codon 1822 of the DICER1 protein (p.Asp1822Asn).